The following is an entry in ClinVar:

NC_000005.10:g.112707471G>A

Gene: APC (APC regulator of Wnt signaling pathway; plus strand). Cytogenetic location: 5q22.2.
Variant type: single nucleotide variant.
Genome position: GRCh38 VCF-style: chr5-112707471-G-A. GRCh37 (hg19) VCF-style: chr5-112043168-G-A.
Identifiers: ClinVar variation 1918852 (VCV001918852.6), dbSNP rs2531733835, ClinGen allele CA2580072256.

ClinVar aggregate classification (germline): Uncertain significance (1 of 4 stars; one submission).

Conditions:
Familial adenomatous polyposis 1 (FAP1). Also called: POLYPOSIS, ADENOMATOUS INTESTINAL; FAMILIAL ADENOMATOUS POLYPOSIS 1, ATTENUATED. Identifiers: MedGen C2713442, MONDO:0021056, OMIM 175100. Disease mechanism: loss of function.

Submission:

Labcorp Genetics (formerly Invitae), Labcorp
Classification: Uncertain significance for Familial adenomatous polyposis 1. Last evaluated: 2024-01-30. Review status: criteria provided, single submitter. Criteria: Invitae Variant Classification Sherloc (09022015). Collection method: clinical testing. Allele origin: germline.
Comment: This variant occurs in a non-coding region of the APC gene. It does not change the encoded amino acid sequence of the APC protein. This variant is not present in population databases (gnomAD no frequency). This variant has not been reported in the literature in individuals affected with APC-related conditions. Experimental studies and prediction algorithms are not available or were not evaluated, and the functional significance of this variant is currently unknown. In summary, the available evidence is currently insufficient to determine the role of this variant in disease. Therefore, it has been classified as a Variant of Uncertain Significance.